The following is an entry in ClinVar:

ClinVar aggregate classification (germline): Conflicting classifications of pathogenicity. Review status: criteria provided, conflicting classifications (1 of 4 stars). 15 submissions from 15 submitters: Uncertain significance (1); Benign (4); Likely benign (5). 5 of the submissions do not count toward it. Last evaluated 2026-03-18.

Conditions:
SNTA1-related disorder. Also called: SNTA1-related condition.
Cardiovascular phenotype. Identifiers: MedGen CN230736.
Long QT syndrome (LQTS). Identifiers: MedGen C0023976, MeSH D008133, MONDO:0002442. Disease mechanism: loss of function. Inheritance: Various modes of inheritance.
Long QT syndrome 12 (LQT12). Identifiers: Orphanet 101016, Orphanet 768, MedGen C2751830, MONDO:0013062, OMIM 612955.
Long QT syndrome 1 (LQT1). Identifiers: Orphanet 101016, Orphanet 768, MedGen C4551647, MONDO:0100316, OMIM 192500, MONDO:0008646.

Allele frequency attached by ClinVar (database versions not stated): 1000 Genomes Project 30x 0.00094; 1000 Genomes Project 0.00100; TOPMed 0.00178; ESP Exome Variant Server 0.00200; gnomAD 0.00217.
gnomAD v4.1: 3,508 of 1,613,556 alleles (0.22%); highest among the groups gnomAD compares: Non-Finnish European, 0.27%; 10 homozygotes.

Submissions (15):

Women's Health and Genetics/Laboratory Corporation of America, LabCorp
Classification: Likely benign. Last evaluated: 2026-03-18. Review status: criteria provided, single submitter. Criteria: LabCorp Variant Classification Summary - May 2015. Collection method: clinical testing. Allele origin: germline.
Comment: Variant summary: SNTA1 c.770C>G (p.Ala257Gly) results in a non-conservative amino acid change located in the Pleckstrin homology domain (IPR001849) of the encoded protein sequence. Algorithms developed to predict the effect of missense changes on protein structure and function are either unavailable or do not agree on the potential impact of this missense change. The variant allele was found at a frequency of 0.0017 in 250672 control chromosomes in the gnomAD database, including 5 homozygotes. The observed variant frequency exceeds the estimated maximal expected allele frequency for disease-causing variants in SNTA1. c.770C>G has been reported in sequencing studies of individuals affected with Long QT Syndrome/Arrhythmia and/or in SIDS cohorts (e.g. Wu_2008, Ghouse_2015, Cheng_2009, Broendberg_2018). These report(s) do not provide unequivocal conclusions about association of the variant with Long QT Syndrome. Co-occurrences with other pathogenic variant(s) have been reported (KCNQ1 c.1686G>T , p.Arg562Ser), providing supporting evidence for a benign role. At least one publication reports experimental evidence evaluating an impact on protein function. The most pronounced variant effect results in a gain of function of the cardiac sodium channel (Wu_2008). Another study showed no damaging effect of this variant when present in conjunction with p.Pro74Leu. This variant combination reversed the peak sodium current and window current induced by the p.Arg257Gly variant alone (Cheng_2011). The following publications have been ascertained in the context of this evaluation (PMID: 29343803, 20009079, 24319568, 26159999, 23861362, 19684871, 29714131). ClinVar contains an entry for this variant (Variation ID: 191548). Based on the evidence outlined above, the variant was classified as likely benign.

Labcorp Genetics (formerly Invitae), Labcorp
Classification: Likely benign for Long QT syndrome. Last evaluated: 2026-02-02. Review status: criteria provided, single submitter. Criteria: Invitae Variant Classification Sherloc (09022015). Collection method: clinical testing. Allele origin: germline.

Dept of Medical Biology, Uskudar University
Classification: Benign for Long QT syndrome. Last evaluated: 2024-01-08. Review status: criteria provided, single submitter. Criteria: Dept of Medical Biology Variant Classification. Collection method: research. Allele origin: paternal. Affected: yes. Observed: 1 variant allele.
Comment: Criteria: PP3, BS1, BS2

Mendelics
Classification: Benign for Long QT syndrome 1. Last evaluated: 2023-08-22. Review status: criteria provided, single submitter. Criteria: Mendelics Assertion Criteria 2019. Collection method: clinical testing. Allele origin: germline.

ARUP Laboratories, Molecular Genetics and Genomics, ARUP Laboratories
Classification: Uncertain significance for Long QT syndrome 12. Last evaluated: 2021-01-15. Review status: criteria provided, single submitter. Criteria: ARUP Molecular Germline Variant Investigation Process 2021. Collection method: clinical testing. Allele origin: germline.
Comment: The SNTA1 c.770C>G; p.Ala257Gly variant (rs56157422) is reported in the literature in individuals affected with long QT syndrome (Wu 2008) and carriers of the variant have been reported to have a slightly longer QTc interval than non-carriers (Ghouse 2015). However, this variant is also reported in healthy controls in combination with p.Pro74Leu (Cheng 2009), and functional studies suggest that the p.Pro74Leu variant rescues altered channel activity of the p.Ala257Gly variant alone (Cheng 2011). The p.Ala257Gly variant is reported in ClinVar (Variation ID: 191548), and is found in the non-Finnish European population with an allele frequency of 0.34% (442/128,676 alleles, including 3 homozygotes) in the Genome Aggregation Database. The alanine at codon 257 is highly conserved, but computational analyses are uncertain whether this variant is neutral or deleterious (REVEL: 0.357). Due to conflicting information, the clinical significance of the p.Ala257Gly variant is uncertain at this time. References: Cheng J et al. Alpha1-syntrophin mutations identified in sudden infant death syndrome cause an increase in late cardiac sodium current. Circ Arrhythm Electrophysiol. 2009 Dec;2(6):667-76. Cheng J et al. LQTS-associated mutation A257G in a1-syntrophin interacts with the intragenic variant P74L to modify its biophysical phenotype. Cardiogenetics. 2011 Oct 25;1(1). pii: 136. Ghouse J et al. Rare genetic variants previously associated with congenital forms of long QT syndrome have little or no effect on the QT interval. Eur Heart J. 2015 Oct 1;36(37):2523-9. Wu G et al. Alpha-1-syntrophin mutation and the long-QT syndrome: a disease of sodium channel disruption. Circ Arrhythm Electrophysiol. 2008 Aug;1(3):193-201.

Molecular Diagnostic Laboratory for Inherited Cardiovascular Disease, Montreal Heart Institute
Classification: Benign. Last evaluated: 2019-07-09. Review status: criteria provided, single submitter. Criteria: ACMG Guidelines, 2015. Collection method: clinical testing. Allele origin: germline. Affected: yes.

GeneDx
Classification: Benign. Last evaluated: 2019-05-21. Review status: criteria provided, single submitter. Criteria: GeneDx Variant Classification Process June 2021. Collection method: clinical testing. Allele origin: germline. Affected: yes.
Comment: This variant is associated with the following publications: (PMID: 25956966, 24319568, 19684871, 26159999, 16252003, 20009079, 25650408, 28988457, 29714131)

Ambry Genetics
Classification: Likely benign for Cardiovascular phenotype. Last evaluated: 2018-05-16. Review status: criteria provided, single submitter. Criteria: Ambry Variant Classification Scheme 2023. Collection method: clinical testing. Allele origin: germline.

Genome Diagnostics Laboratory, University Medical Center Utrecht
Classification: Likely benign for Long QT syndrome 12. Last evaluated: 2016-07-08. Review status: criteria provided, single submitter. Criteria: ACGS Guidelines, 2013. Collection method: clinical testing. Allele origin: germline. Affected: yes. Study: VKGL Data-share Consensus.

Biesecker Lab/Clinical Genomics Section, National Institutes of Health
Classification: Likely benign for Long QT syndrome. Last evaluated: 2013-06-24. Review status: criteria provided, single submitter. Criteria: Ng et al. (Circ Cardiovasc Genet. 2013). Collection method: research. Allele origin: unknown. Observed: 3 variant alleles. Study: ClinSeq.
Comment: The study set was not selected for affection status in relation to any cancer. Pathogenicity categories were based on literature curation. See Pubmed ID:23861362 for details.

Medical sequencing

PreventionGenetics, part of Exact Sciences
Classification: Likely benign for SNTA1-related condition. Last evaluated: 2020-03-05. Review status: no assertion criteria provided. Collection method: clinical testing. Allele origin: germline. Not counted in ClinVar's aggregate classification.
Comment: This variant is classified as likely benign based on ACMG/AMP sequence variant interpretation guidelines (Richards et al. 2015 PMID: 25741868, with internal and published modifications).

OMIM
Classification: Pathogenic for LONG QT SYNDROME 12. Last evaluated: 2008-08-01. Review status: no assertion criteria provided. Collection method: literature only. Allele origin: germline. Not counted in ClinVar's aggregate classification.

Clinical Genetics DNA and cytogenetics Diagnostics Lab, Erasmus MC, Erasmus Medical Center
Classification: Likely benign. Review status: no assertion criteria provided. Collection method: clinical testing. Allele origin: germline. Affected: yes. Study: VKGL Data-share Consensus. Not counted in ClinVar's aggregate classification.

Clinical Genetics, Academic Medical Center
Classification: Likely benign. Review status: no assertion criteria provided. Collection method: clinical testing. Allele origin: germline. Affected: yes. Study: VKGL Data-share Consensus. Not counted in ClinVar's aggregate classification.

Joint Genome Diagnostic Labs from Nijmegen and Maastricht, Radboudumc and MUMC+
Classification: Benign. Review status: no assertion criteria provided. Collection method: clinical testing. Allele origin: germline. Affected: yes. Study: VKGL Data-share Consensus. Not counted in ClinVar's aggregate classification.

Literature cited by the submitters: PubMed 23861362 (cited by Women's Health and Genetics/Laboratory Corporation of America, LabCorp and Ambry Genetics); PubMed 20009079 (cited by Women's Health and Genetics/Laboratory Corporation of America, LabCorp and Ambry Genetics); PubMed 24319568 (cited by Women's Health and Genetics/Laboratory Corporation of America, LabCorp and Ambry Genetics); PubMed 19684871 (cited by 3 submitters); PubMed 29343803 (cited by Women's Health and Genetics/Laboratory Corporation of America, LabCorp); PubMed 26159999 (cited by Women's Health and Genetics/Laboratory Corporation of America, LabCorp and Ambry Genetics); PubMed 29714131 (cited by Women's Health and Genetics/Laboratory Corporation of America, LabCorp); PubMed 25650408 (cited by Ambry Genetics); PubMed 25956966 (cited by Ambry Genetics).

NM_003098.3(SNTA1):c.770C>G (p.Ala257Gly)

Gene: SNTA1 (syntrophin alpha 1; minus strand). Cytogenetic location: 20q11.21.
Variant type: single nucleotide variant.
Coding change: c.770C>G on transcript NM_003098.3 (MANE Select); coding-DNA position 770, C replaced by G.
Protein change: p.Ala257Gly; replaces alanine 257 with glycine.
Molecular consequence: missense variant.
Genome position (GRCh38, 1-based): chr20:33,412,714, G>C on the plus strand (C>G on the coding strand, the complement: SNTA1 is on the minus strand). VCF-style: chr20-33412714-G-C. GRCh37 (hg19) VCF-style: chr20-32000520-G-C.
Other names: short protein forms A257G.
Identifiers: ClinVar variation 191548 (VCV000191548.44), dbSNP rs56157422, ClinGen allele CA199841.
Genomic context (GRCh38, chr20:33,412,714, plus strand): 5'-TCCTTGACCCGCGGCGTCAGAGTATTGACCTGGGCTTGGATGGCAGTCGCCCACGACCTC[G>C]CACTAGCCTCATCCTTGGCCCTCAGGAAGAGGGTGTCTTGACCATCTGCCGAGCAGATCT-3'
Protein context (NP_003089.1, residues 247-267): LFLRAKDEAS[Ala257Gly]RSWATAIQAQ